The following is an entry in ClinVar:

NM_139076.3(ABRAXAS1):c.688T>C (p.Cys230Arg)

Gene: ABRAXAS1 (abraxas 1, BRCA1 A complex subunit; minus strand). Cytogenetic location: 4q21.23.
Variant type: single nucleotide variant.
Coding change: c.688T>C on transcript NM_139076.3 (MANE Select); coding-DNA position 688, T replaced by C.
Protein change: p.Cys230Arg; replaces cysteine 230 with arginine.
Molecular consequence: missense variant.
Genome position (GRCh38, 1-based): chr4:83,463,602, A>G on the plus strand (T>C on the coding strand, the complement: ABRAXAS1 is on the minus strand). VCF-style: chr4-83463602-A-G. GRCh37 (hg19) VCF-style: chr4-84384755-A-G.
Other names: c.361T>C, p.Cys121Arg (NM_001345962.2); short protein forms C230R, C121R.
Identifiers: ClinVar variation 857416 (VCV000857416.12), dbSNP rs968394207, ClinGen allele CA100679132.
Genomic context (GRCh38, chr4:83,463,602, plus strand): 5'-ATCTGTTTACATCCTTTACTAGTTTATCTACTGCTTGTTCACTGTCTTCCACTTTTTTGC[A>G]TATACTCTGCAAAATAAAGTAATTTAAGGGCATAGGTAATATTTCAAGCTGTGTACTAAT-3'
Protein context (NP_620775.2, residues 220-240): ASLQEELKSI[Cys230Arg]KKVEDSEQAV

ClinVar aggregate classification (germline): Uncertain significance. Review status: criteria provided, multiple submitters, no conflicts (2 of 4 stars). 2 submissions from 2 submitters: Uncertain significance (2). Last evaluated 2023-12-24.

Allele frequency attached by ClinVar (database versions not stated): gnomAD exomes below 0.00001; TOPMed 0.00002; gnomAD 0.00003 and 0.00004.
gnomAD v4.1: 7 of 1,595,970 alleles (0.00044%); highest among the groups gnomAD compares: African/African-American, 0.0081%; no homozygotes.

Submissions (2):

Ambry Genetics
Classification: Uncertain significance. Last evaluated: 2023-12-24. Review status: criteria provided, single submitter. Criteria: Ambry Variant Classification Scheme 2023. Collection method: clinical testing. Allele origin: germline.
Comment: The p.C230R variant (also known as c.688T>C), located in coding exon 8 of the FAM175A gene, results from a T to C substitution at nucleotide position 688. The cysteine at codon 230 is replaced by arginine, an amino acid with highly dissimilar properties. This amino acid position is conserved. In addition, this alteration is predicted to be deleterious by in silico analysis. Since supporting evidence is limited at this time, the clinical significance of this alteration remains unclear.

Labcorp Genetics (formerly Invitae), Labcorp
Classification: Uncertain significance. Last evaluated: 2019-12-11. Review status: criteria provided, single submitter. Criteria: Invitae Variant Classification Sherloc (09022015). Collection method: clinical testing. Allele origin: germline.
Comment: This sequence change replaces cysteine with arginine at codon 230 of the ABRAXAS1 protein (p.Cys230Arg). The cysteine residue is highly conserved and there is a large physicochemical difference between cysteine and arginine. In summary, the available evidence is currently insufficient to determine the role of this variant in disease. Therefore, it has been classified as a Variant of Uncertain Significance. Algorithms developed to predict the effect of missense changes on protein structure and function (SIFT, PolyPhen-2, Align-GVGD) all suggest that this variant is likely to be disruptive, but these predictions have not been confirmed by published functional studies and their clinical significance is uncertain. This variant has not been reported in the literature in individuals with ABRAXAS1-related conditions. This variant is not present in population databases (ExAC no frequency).